The following is an entry in ClinVar:

ClinVar aggregate classification (germline): Uncertain significance. Review status: criteria provided, multiple submitters, no conflicts (2 of 4 stars). 2 submissions from 2 submitters: Uncertain significance (2). Last evaluated 2022-12-12.

Conditions:
DOCK2 deficiency. Also called: Immunodeficiency 40. Identifiers: Orphanet 447737, MedGen C4225328, MONDO:0014637, OMIM 616433.

Allele frequency attached by ClinVar (database versions not stated): gnomAD exomes below 0.00001 and 0.00001; ExAC 0.00001; gnomAD 0.00001; TOPMed 0.00002.
gnomAD v4.1: 18 of 1,613,874 alleles (0.0011%); highest among the groups gnomAD compares: Middle Eastern, 0.016%; no homozygotes.

Submissions (2):

Blueprint Genetics
Classification: Uncertain significance. Last evaluated: 2022-12-12. Review status: criteria provided, single submitter. Criteria: ACMG Guidelines, 2015. Collection method: clinical testing. Allele origin: germline.

Labcorp Genetics (formerly Invitae), Labcorp
Classification: Uncertain significance for DOCK2 deficiency. Last evaluated: 2022-07-01. Review status: criteria provided, single submitter. Criteria: Invitae Variant Classification Sherloc (09022015). Collection method: clinical testing. Allele origin: germline.
Comment: This sequence change replaces proline, which is neutral and non-polar, with serine, which is neutral and polar, at codon 1340 of the DOCK2 protein (p.Pro1340Ser). This variant is present in population databases (rs752947346, gnomAD 0.0009%). This variant has not been reported in the literature in individuals affected with DOCK2-related conditions. ClinVar contains an entry for this variant (Variation ID: 645999). Algorithms developed to predict the effect of missense changes on protein structure and function are either unavailable or do not agree on the potential impact of this missense change (SIFT: "Tolerated"; PolyPhen-2: "Probably Damaging"; Align-GVGD: "Class C0"). In summary, the available evidence is currently insufficient to determine the role of this variant in disease. Therefore, it has been classified as a Variant of Uncertain Significance.

NM_004946.3(DOCK2):c.4018C>T (p.Pro1340Ser)

Gene: DOCK2 (dedicator of cytokinesis 2; plus strand). Cytogenetic location: 5q35.1.
Variant type: single nucleotide variant.
Coding change: c.4018C>T on transcript NM_004946.3 (MANE Select); coding-DNA position 4018, C replaced by T.
Protein change: p.Pro1340Ser; replaces proline 1340 with serine.
Molecular consequence: missense variant. On other transcripts: non-coding transcript variant (1).
Genome position (GRCh38, 1-based): chr5:170,047,561, C>T. VCF-style: chr5-170047561-C-T. GRCh37 (hg19) VCF-style: chr5-169474565-C-T.
Other names: c.4018C>T, p.Pro1340Ser (LRG_1227t1); short protein forms P1340S.
Identifiers: ClinVar variation 645999 (VCV000645999.7), dbSNP rs752947346, ClinGen allele CA3554405.